The following is an entry in ClinVar:

ClinVar aggregate classification (germline): Likely benign. Review status: criteria provided, multiple submitters, no conflicts (2 of 4 stars). 2 submissions from 2 submitters: Likely benign (2). Last evaluated 2022-06-01.

Allele frequency attached by ClinVar (database versions not stated): ESP Exome Variant Server 0.00015; 1000 Genomes Project 30x 0.00016; 1000 Genomes Project 0.00020.
gnomAD v4.1: 217 of 1,614,006 alleles (0.013%); highest among the groups gnomAD compares: Middle Eastern, 0.082%; no homozygotes.

Submissions (2):

CeGaT Center for Human Genetics Tuebingen
Classification: Likely benign. Last evaluated: 2022-06-01. Review status: criteria provided, single submitter. Criteria: CeGaT Center For Human Genetics Tuebingen Variant Classification Criteria Version 2. Collection method: clinical testing. Allele origin: germline. Affected: yes. Observed: 1 variant allele.
Comment: TNC: BP4, BP7

GeneDx
Classification: Likely benign. Last evaluated: 2019-11-18. Review status: criteria provided, single submitter. Criteria: GeneDx Variant Classification Process June 2021. Collection method: clinical testing. Allele origin: germline. Affected: yes.

NM_002160.4(TNC):c.1104C>T (p.Ala368=)

Gene: TNC (tenascin C; minus strand). Cytogenetic location: 9q33.1.
Variant type: single nucleotide variant.
Coding change: c.1104C>T on transcript NM_002160.4 (MANE Select); coding-DNA position 1104, C replaced by T.
Protein change: p.Ala368=; no amino-acid change (alanine 368 retained).
Molecular consequence: synonymous variant.
Genome position (GRCh38, 1-based): chr9:115,086,627, G>A on the plus strand (C>T on the coding strand, the complement: TNC is on the minus strand). VCF-style: chr9-115086627-G-A. GRCh37 (hg19) VCF-style: chr9-117848906-G-A.
Identifiers: ClinVar variation 1316559 (VCV001316559.33), dbSNP rs201505515, ClinGen allele CA5208886.
Genomic context (GRCh38, chr9:115,086,627, plus strand): 5'-TACACAGCGGCCACGATTGTGACAGTCAGCAGGACACCTCTTCTCGCTGCAGTCCACACC[G>A]GCAAAGCCCTCATCACATACACACTGCCCCTCCTCACACCGGCCCTGGGTGTGGCAGGCA-3'
Protein context (NP_002151.2, residues 358-378): EGQCVCDEGF[Ala368=]GVDCSEKRCP